The following is an entry in ClinVar:

ClinVar aggregate classification (germline): Uncertain significance (1 of 4 stars; one submission).

Allele frequency attached by ClinVar (database versions not stated): gnomAD exomes below 0.00001; TOPMed 0.00002.
gnomAD v4.1: 3 of 1,611,862 alleles (0.00019%); highest among the groups gnomAD compares: Admixed American, 0.0017%; no homozygotes.

Submission:

Labcorp Genetics (formerly Invitae), Labcorp
Classification: Uncertain significance. Last evaluated: 2024-06-19. Review status: criteria provided, single submitter. Criteria: Invitae Variant Classification Sherloc (09022015). Collection method: clinical testing. Allele origin: germline.
Comment: This sequence change replaces proline, which is neutral and non-polar, with leucine, which is neutral and non-polar, at codon 707 of the DNA2 protein (p.Pro707Leu). This variant is present in population databases (rs769639207, gnomAD 0.003%). This variant has not been reported in the literature in individuals affected with DNA2-related conditions. ClinVar contains an entry for this variant (Variation ID: 1949365). Advanced modeling of protein sequence and biophysical properties (such as structural, functional, and spatial information, amino acid conservation, physicochemical variation, residue mobility, and thermodynamic stability) performed at Invitae indicates that this missense variant is expected to disrupt DNA2 protein function with a positive predictive value of 80%. In summary, the available evidence is currently insufficient to determine the role of this variant in disease. Therefore, it has been classified as a Variant of Uncertain Significance.

NM_001080449.3(DNA2):c.2120C>T (p.Pro707Leu)

Gene: DNA2 (DNA replication helicase/nuclease 2; minus strand). Cytogenetic location: 10q21.3.
Variant type: single nucleotide variant.
Coding change: c.2120C>T on transcript NM_001080449.3 (MANE Select); coding-DNA position 2120, C replaced by T.
Protein change: p.Pro707Leu; replaces proline 707 with leucine.
Molecular consequence: missense variant. On other transcripts: non-coding transcript variant (1).
Genome position (GRCh38, 1-based): chr10:68,430,524, G>A on the plus strand (C>T on the coding strand, the complement: DNA2 is on the minus strand). VCF-style: chr10-68430524-G-A. GRCh37 (hg19) VCF-style: chr10-70190281-G-A.
Other names: short protein forms P707L.
Identifiers: ClinVar variation 1949365 (VCV001949365.5), dbSNP rs769639207, ClinGen allele CA5524892.